The following is an entry in ClinVar:

ClinVar aggregate classification (germline): Uncertain significance. Review status: criteria provided, single submitter (1 of 4 stars). 2 submissions from 2 submitters: Uncertain significance (1). 1 of the submissions does not count toward it. Last evaluated 2024-01-30.

Conditions:
Hereditary cancer-predisposing syndrome. Also called: Tumor predisposition; Neoplastic Syndromes, Hereditary; Hereditary Cancer Syndrome; Hereditary neoplastic syndrome. Identifiers: Orphanet 140162, MedGen C0027672, MeSH D009386, MONDO:0015356.
Ataxia-telangiectasia syndrome (AT). Also called: Ataxia telangiectasia (A-T); ATAXIA-TELANGIECTASIA, COMPLEMENTATION GROUP A; ATAXIA-TELANGIECTASIA, FRESNO VARIANT; Ataxia-telangiectasia; LOUIS-BAR SYNDROME; Cerebello-oculocutaneous telangiectasia. Identifiers: Orphanet 100, MedGen C0004135, MONDO:0008840, OMIM 208900.

Submissions (2):

Ambry Genetics
Classification: Uncertain significance for Hereditary cancer-predisposing syndrome. Last evaluated: 2024-01-30. Review status: criteria provided, single submitter. Criteria: Ambry Variant Classification Scheme 2023. Collection method: clinical testing. Allele origin: germline.
Comment: The c.4492_4494delTTA variant (also known as p.L1498del) is located in coding exon 29 of the ATM gene. This variant results from an in-frame TTA deletion at nucleotide positions 4492 to 4494. This results in the in-frame deletion of a leucine at codon 1498. This amino acid position is highly conserved in available vertebrate species. In addition, this alteration is predicted to be deleterious by in silico analysis (Choi Y et al. PLoS ONE. 2012; 7(10):e46688). Based on the available evidence, the clinical significance of this alteration remains unclear.

Counsyl
Classification: Uncertain significance for Ataxia-telangiectasia syndrome. Last evaluated: 2017-11-29. Review status: no assertion criteria provided. Collection method: clinical testing. Allele origin: unknown. Not counted in ClinVar's aggregate classification.

NM_000051.4(ATM):c.4489TTA[1] (p.Leu1498del)

Gene: ATM (ATM serine/threonine kinase; plus strand). Cytogenetic location: 11q22.3.
Variant type: Microsatellite.
Coding change: c.4489TTA[1] on transcript NM_000051.4 (MANE Select); one copy of the 3-base unit TTA starting at c.4489; the reference has two copies in a row; one copy, 3 bases deleted.
Protein change: p.Leu1498del; deletes leucine 1498.
Molecular consequence: inframe deletion.
Genome position (GRCh38, 1-based): chr11:108,292,674-108,292,676, TTA deleted; deleting any 3 consecutive bases within chr11:108,292,671-108,292,676 gives the same sequence; the position shown is the placement nearest the transcript's 3' end. VCF-style (leftmost placement, unchanged base first): chr11-108292670-CTTA-C. GRCh37 (hg19) VCF-style: chr11-108163397-CTTA-C.
Other names: c.4492_4494delTTA (NM_000051.3); c.4489TTA[1], p.Leu1498del (NM_001351834.2); short protein forms L1498del.
Identifiers: ClinVar variation 555206 (VCV000555206.3), dbSNP rs1555099818, ClinGen allele CA658822200.
Genomic context (GRCh38, chr11:108,292,670, plus strand): 5'-CTATATTAGGCCTTCTTGTATCATGGATGTGTCATTACGTAGCTTCTCCCTTTGTTGTGA[CTTA>C]TTAAGTCAGGTTTGCCAGACAGCCGTGACTTACTGTAAGGATGCTCTAGAAAACCATCTT-3'